The following is an entry in ClinVar:

NM_000540.3(RYR1):c.5119C>T (p.Arg1707Cys)

Gene: RYR1 (ryanodine receptor 1; plus strand). Cytogenetic location: 19q13.2.
Variant type: single nucleotide variant.
Coding change: c.5119C>T on transcript NM_000540.3 (MANE Select); coding-DNA position 5119, C replaced by T.
Protein change: p.Arg1707Cys; replaces arginine 1707 with cysteine.
Molecular consequence: missense variant.
Genome position (GRCh38, 1-based): chr19:38,485,774, C>T. VCF-style: chr19-38485774-C-T. GRCh37 (hg19) VCF-style: chr19-38976414-C-T.
Other names: c.5119C>T, p.Arg1707Cys (NM_001042723.2); short protein forms R1707C.
Identifiers: ClinVar variation 2898653 (VCV002898653.5), dbSNP rs2514227330, ClinGen allele CA16622096.

ClinVar aggregate classification (germline): Conflicting classifications of pathogenicity. Review status: criteria provided, conflicting classifications (1 of 4 stars). 3 submissions from 3 submitters: Likely pathogenic (1); Uncertain significance (2). Last evaluated 2025-12-08.

Conditions:
RYR1-related disorder. Also called: RYR1-related condition; RYR1-related disorders. Identifiers: MedGen CN239331.
Malignant hyperthermia, susceptibility to, 1 (MHS1). Also called: Malignant hyperthermia suceptibility 1; Anesthesia related hyperthermia; Malignant hyperpyrexia; Fulminating hyperpyrexia; Pharmacogenic myopathy; RYR1-Related Malignant Hyperthermia Susceptibility. Identifiers: Orphanet 423, MedGen C2930980, MONDO:0007783, OMIM 145600.

Allele frequency attached by ClinVar (database versions not stated): gnomAD exomes 0.00001.
gnomAD v4.1: 9 of 1,613,174 alleles (0.00056%); highest among the groups gnomAD compares: East Asian, 0.0022%; no homozygotes.

Submissions (3):

Labcorp Genetics (formerly Invitae), Labcorp
Classification: Likely pathogenic for RYR1-related disorder. Last evaluated: 2025-12-08. Review status: criteria provided, single submitter. Criteria: Invitae Variant Classification Sherloc (09022015). Collection method: clinical testing. Allele origin: germline.
Comment: This sequence change replaces arginine, which is basic and polar, with cysteine, which is neutral and slightly polar, at codon 1707 of the RYR1 protein (p.Arg1707Cys). This variant is not present in population databases (gnomAD no frequency). This missense change has been observed in individual(s) with autosomal recessive congenital muscular dystrophy (PMID: 38544359). In at least one individual the data is consistent with being in trans (on the opposite chromosome) from a pathogenic variant. ClinVar contains an entry for this variant (Variation ID: 2898653). Invitae Evidence Modeling of protein sequence and biophysical properties (such as structural, functional, and spatial information, amino acid conservation, physicochemical variation, residue mobility, and thermodynamic stability) indicates that this missense variant is expected to disrupt RYR1 protein function with a positive predictive value of 80%. This variant disrupts the p.Arg1707 amino acid residue in RYR1. Other variant(s) that disrupt this residue have been determined to be pathogenic (PMID: 23919265; internal data). This suggests that this residue is clinically significant, and that variants that disrupt this residue are likely to be disease-causing. In summary, the currently available evidence indicates that the variant is pathogenic, but additional data are needed to prove that conclusively. Therefore, this variant has been classified as Likely Pathogenic.

Color Diagnostics, LLC DBA Color Health
Classification: Uncertain significance for Malignant hyperthermia, susceptibility to, 1. Last evaluated: 2025-07-01. Review status: criteria provided, single submitter. Criteria: ACMG Guidelines, 2015. Collection method: clinical testing. Allele origin: germline.
Comment: This missense variant replaces arginine with cysteine at codon 1707 of the RYR1 protein. Computational prediction suggests that this variant may have deleterious impact on protein structure and function. To our knowledge, functional studies have not been reported for this variant. This variant has not been reported in individuals affected with autosomal dominant malignant hyperthermia in the literature, although it is associated with other phenotype(s) (ClinVar Variation ID: 2898653). This variant has not been identified in the general population by the Genome Aggregation Database (gnomAD). The available evidence is insufficient to determine the role of this variant in disease conclusively. Therefore, this variant is classified as a Variant of Uncertain Significance.

Women's Health and Genetics/Laboratory Corporation of America, LabCorp
Classification: Uncertain significance. Last evaluated: 2025-06-25. Review status: criteria provided, single submitter. Criteria: LabCorp Variant Classification Summary - May 2015. Collection method: clinical testing. Allele origin: germline.
Comment: Variant summary: RYR1 c.5119C>T (p.Arg1707Cys) results in a non-conservative amino acid change in the encoded protein sequence. Algorithms developed to predict the effect of missense changes on protein structure and function all suggest that this variant is likely to be disruptive. The variant was absent in 246648 control chromosomes. The available data on variant occurrences in the general population are insufficient to allow any conclusion about variant significance. c.5119C>T has been observed in individual(s) affected with Muscular Dystrophy (Marchant_2024). These data do not allow any conclusion about variant significance. To our knowledge, no experimental evidence demonstrating an impact on protein function has been reported. The following publication have been ascertained in the context of this evaluation (PMID: 38544359). ClinVar contains an entry for this variant (Variation ID: 2898653). Based on the evidence outlined above, the variant was classified as uncertain significance.

Literature cited by the submitters: PubMed 38544359 (cited by Labcorp Genetics (formerly Invitae), Labcorp and Women's Health and Genetics/Laboratory Corporation of America, LabCorp); PubMed 23919265 (cited by Labcorp Genetics (formerly Invitae), Labcorp).